The following is an entry in ClinVar:

NM_001357.5(DHX9):c.1192C>A (p.Leu398Met)

Gene: DHX9 (DExH-box helicase 9; plus strand). Cytogenetic location: 1q25.3.
Variant type: single nucleotide variant.
Coding change: c.1192C>A on transcript NM_001357.5 (MANE Select); coding-DNA position 1192, C replaced by A.
Protein change: p.Leu398Met; replaces leucine 398 with methionine.
Molecular consequence: missense variant. On other transcripts: non-coding transcript variant (1).
Genome position (GRCh38, 1-based): chr1:182,860,044, C>A. VCF-style: chr1-182860044-C-A. GRCh37 (hg19) VCF-style: chr1-182829179-C-A.
Other names: short protein forms L398M.
Identifiers: ClinVar variation 3367275 (VCV003367275.1).

ClinVar aggregate classification (germline): Uncertain significance (1 of 4 stars; one submission).

Submission:

GeneDx
Classification: Uncertain significance. Last evaluated: 2023-12-25. Review status: criteria provided, single submitter. Criteria: GeneDx Variant Classification Process June 2021. Collection method: clinical testing. Allele origin: germline. Affected: yes.
Comment: Not observed at significant frequency in large population cohorts (gnomAD); In silico analysis supports that this missense variant does not alter protein structure/function; Has not been previously published as pathogenic or benign to our knowledge